The following is an entry in ClinVar:

ClinVar aggregate classification (germline): Benign (1 of 4 stars; one submission).

Conditions:
Platelet-type bleeding disorder 9 (BDPLT9). Also called: GLYCOPROTEIN Ia DEFICIENCY; GP Ia DEFICIENCY; COLLAGEN PLATELET RECEPTOR DEFICIENCY. Identifiers: Orphanet 73271, Orphanet 98886, MedGen C3280114, MONDO:0013622, OMIM 614200.

Allele frequency attached by ClinVar (database versions not stated): gnomAD 0.00002 and 0.00009; TOPMed 0.00007; 1000 Genomes Project 30x 0.00031; 1000 Genomes Project 0.00040.

Submission:

Illumina Laboratory Services, Illumina
Classification: Benign for Platelet-type bleeding disorder 9. Last evaluated: 2018-01-12. Review status: criteria provided, single submitter. Criteria: ICSL Variant Classification Criteria 13 December 2019. Collection method: clinical testing. Allele origin: germline.
Comment: This variant was observed in the ICSL laboratory as part of a predisposition screen in an ostensibly healthy population. It had not been previously curated by ICSL or reported in the Human Gene Mutation Database (HGMD: prior to June 1st, 2018), and was therefore a candidate for classification through an automated scoring system. Utilizing variant allele frequency, disease prevalence and penetrance estimates, and inheritance mode, an automated score was calculated to assess if this variant is too frequent to cause the disease. Based on the score and internal cut-off values, a variant classified as benign is not then subjected to further curation. The score for this variant resulted in a classification of benign for this disease.

NM_002203.4(ITGA2):c.*2198T>C

Gene: ITGA2 (integrin subunit alpha 2; plus strand). Cytogenetic location: 5q11.2.
Variant type: single nucleotide variant.
Coding change: c.*2198T>C on transcript NM_002203.4 (MANE Select); 2198 bases downstream of the stop codon, T replaced by C.
Molecular consequence: 3 prime UTR variant. On other transcripts: non-coding transcript variant (5).
Genome position (GRCh38, 1-based): chr5:53,092,797, T>C. VCF-style: chr5-53092797-T-C. GRCh37 (hg19) VCF-style: chr5-52388627-T-C.
Identifiers: ClinVar variation 353819 (VCV000353819.5), dbSNP rs540698536, ClinGen allele CA10624923.